The following is an entry in ClinVar:

NM_006915.3(RP2):c.208del (p.Cys70fs)

Gene: RP2 (RP2 activator of ARL3 GTPase; plus strand). Cytogenetic location: Xp11.3.
Variant type: Deletion.
Coding change: c.208del on transcript NM_006915.3 (MANE Select); coding-DNA position 208, one base deleted (T; older notation c.208delT).
Protein change: p.Cys70fs; shifts the reading frame from cysteine 70.
Molecular consequence: frameshift variant.
Genome position (GRCh38, 1-based): chrX:46,853,581, T deleted. VCF-style (leftmost placement, unchanged base first): chrX-46853580-CT-C. GRCh37 (hg19) VCF-style: chrX-46713015-CT-C.
Other names: short protein forms C70fs.
Identifiers: ClinVar variation 942079 (VCV000942079.9), dbSNP rs1924897764, ClinGen allele CA1139667496.

ClinVar aggregate classification (germline): Pathogenic (1 of 4 stars; one submission).

Submission:

Labcorp Genetics (formerly Invitae), Labcorp
Classification: Pathogenic. Last evaluated: 2025-04-28. Review status: criteria provided, single submitter. Criteria: Invitae Variant Classification Sherloc (09022015). Collection method: clinical testing. Allele origin: germline.
Comment: This sequence change creates a premature translational stop signal (p.Cys70Valfs*21) in the RP2 gene. It is expected to result in an absent or disrupted protein product. Loss-of-function variants in RP2 are known to be pathogenic (PMID: 11992260, 20625056). This variant is not present in population databases (gnomAD no frequency). This premature translational stop signal has been observed in individual(s) with retinitis pigmentosa (internal data). ClinVar contains an entry for this variant (Variation ID: 942079). For these reasons, this variant has been classified as Pathogenic.

Literature cited by the submitters: PubMed 11992260; PubMed 20625056.